The following is an entry in ClinVar:

NM_001378778.1(MPDZ):c.2455C>T (p.Pro819Ser)

Gene: MPDZ (multiple PDZ domain crumbs cell polarity complex component; minus strand). Cytogenetic location: 9p23.
Variant type: single nucleotide variant.
Coding change: c.2455C>T on transcript NM_001378778.1 (MANE Select); coding-DNA position 2455, C replaced by T.
Protein change: p.Pro819Ser; replaces proline 819 with serine.
Molecular consequence: missense variant.
Genome position (GRCh38, 1-based): chr9:13,186,296, G>A on the plus strand (C>T on the coding strand, the complement: MPDZ is on the minus strand). VCF-style: chr9-13186296-G-A. GRCh37 (hg19) VCF-style: chr9-13186295-G-A.
Other names: c.2455C>T (NM_003829.3); c.2455C>T, p.Pro819Ser (NM_001261406.2, NM_001261407.2, NM_001330637.2 and 14 more transcripts); short protein forms P819S.
Identifiers: ClinVar variation 1511696 (VCV001511696.6), dbSNP rs997331523, ClinGen allele CA189280549.
Genomic context (GRCh38, chr9:13,186,296, plus strand): 5'-CTGAAAGAAAGCTTGATAAGTCATAGCCACTAACCAGAGCCAAGTCAGCCCTGAAGAGGG[G>A]TTTGTCAGCCAGCCCTGCTTCCTCACAGGAGTGTGGTGGGTAGAGAAAGGAATCCTCCTT-3'
Protein context (NP_001365707.1, residues 809-829): SCEEAGLADK[Pro819Ser]LFRADLALVG

ClinVar aggregate classification (germline): Uncertain significance. Review status: criteria provided, multiple submitters, no conflicts (2 of 4 stars). 3 submissions from 3 submitters: Uncertain significance (3). Last evaluated 2025-02-11.

Conditions:
Inborn genetic diseases. Identifiers: MedGen C0950123, MeSH D030342.

Allele frequency attached by ClinVar (database versions not stated): gnomAD 0.00003 and 0.00002; TOPMed 0.00009; gnomAD exomes below 0.00001.
gnomAD v4.1: 13 of 1,592,488 alleles (0.00082%); highest among the groups gnomAD compares: Admixed American, 0.01%; no homozygotes.

Submissions (3):

Dasa
Classification: Uncertain significance. Last evaluated: 2025-02-11. Review status: criteria provided, single submitter. Criteria: DASA Assertion Criteria. Collection method: clinical testing. Allele origin: germline.
Comment: NM_001378778.1(MPDZ):c.2455C>T (p.Pro819Ser) is a missense variant that results in the substitution of proline with serine. This variant has been observed in affected individuals with MPDZ-related disorders. Also, this variant is rare in population databases. Computational prediction algorithms are consistent with a benign effect. The currently available literature and clinical evidence are not sufficient to establish a definitive association between this variant and the reported condition. Therefore, this variant is classified as a variant of uncertain significance.

Ambry Genetics
Classification: Uncertain significance for Inborn genetic diseases. Last evaluated: 2023-04-07. Review status: criteria provided, single submitter. Criteria: Ambry Variant Classification Scheme 2023. Collection method: clinical testing. Allele origin: germline.

Labcorp Genetics (formerly Invitae), Labcorp
Classification: Uncertain significance. Last evaluated: 2022-08-31. Review status: criteria provided, single submitter. Criteria: Invitae Variant Classification Sherloc (09022015). Collection method: clinical testing. Allele origin: germline.
Comment: This sequence change replaces proline, which is neutral and non-polar, with serine, which is neutral and polar, at codon 819 of the MPDZ protein (p.Pro819Ser). The frequency data for this variant in the population databases is considered unreliable, as metrics indicate poor data quality at this position in the gnomAD database. This variant has not been reported in the literature in individuals affected with MPDZ-related conditions. ClinVar contains an entry for this variant (Variation ID: 1511696). Algorithms developed to predict the effect of missense changes on protein structure and function are either unavailable or do not agree on the potential impact of this missense change (SIFT: "Tolerated"; PolyPhen-2: "Benign"; Align-GVGD: "Class C25"). In summary, the available evidence is currently insufficient to determine the role of this variant in disease. Therefore, it has been classified as a Variant of Uncertain Significance.